The following is an entry in ClinVar:

NM_001291303.3(FAT4):c.2599G>A (p.Val867Met)

Gene: FAT4 (FAT atypical cadherin 4; plus strand). Cytogenetic location: 4q28.1.
Variant type: single nucleotide variant.
Coding change: c.2599G>A on transcript NM_001291303.3 (MANE Select); coding-DNA position 2599, G replaced by A.
Protein change: p.Val867Met; replaces valine 867 with methionine.
Molecular consequence: missense variant. On other transcripts: intron variant (1).
Genome position (GRCh38, 1-based): chr4:125,319,010, G>A. VCF-style: chr4-125319010-G-A. GRCh37 (hg19) VCF-style: chr4-126240165-G-A.
Other names: c.2599G>A, p.Val867Met (NM_001291285.3, NM_001438396.1, NM_001438397.1 and 1 more transcripts); c.-55+3033G>A (NM_001437895.1); short protein forms V867M.
Identifiers: ClinVar variation 5010270 (VCV005010270.1).
Genomic context (GRCh38, chr4:125,319,010, plus strand): 5'-CAGCTTACCACAGCAAATGTGATTGATAGAGAAGAGCAATCCTTTTATCAGCTGAAGGTA[G>A]TGGCCAGTGGGGGCACAGTGACTGGAGACACTATGGTTAACATAACAGTTAAGGATTTGA-3'
Protein context (NP_001278232.1, residues 857-877): EEQSFYQLKV[Val867Met]ASGGTVTGDT

ClinVar aggregate classification (germline): Uncertain significance (1 of 4 stars; one submission).

Conditions:
Van Maldergem syndrome 2 (VMLDS2). Identifiers: Orphanet 314679, MedGen C3809875, MONDO:0014242, OMIM 615546.

Submission:

Clinical Genetics Laboratory, Skane University Hospital Lund
Classification: Uncertain significance for Van Maldergem syndrome 2. Last evaluated: 2026-08-18. Review status: criteria provided, single submitter. Criteria: ACMG Guidelines, 2015. Collection method: clinical testing. Allele origin: germline. Inheritance: Autosomal recessive inheritance. Affected: yes.
Comment: ACMG criteria applied: PM2, BP4.